The following is an entry in ClinVar:

ClinVar aggregate classification (germline): Likely benign. Review status: criteria provided, multiple submitters, no conflicts (2 of 4 stars). 2 submissions from 2 submitters: Likely benign (2). Last evaluated 2026-01-26.

Conditions:
POLD1-related polyposis and colorectal cancer syndrome (CRCS10). Also called: Colorectal cancer 10; COLORECTAL CANCER, SUSCEPTIBILITY TO, ON CHROMOSOME 19q; Colorectal cancer, susceptibility to, 10. Identifiers: Orphanet 220460, MedGen C2675481, MONDO:0012953, OMIM 612591.

Allele frequency attached by ClinVar (database versions not stated): gnomAD exomes below 0.00001.
gnomAD v4.1: 1 of 1,563,226 alleles (0.000064%); highest among the groups gnomAD compares: Non-Finnish European, 0.000087%; no homozygotes.

Submissions (2):

Labcorp Genetics (formerly Invitae), Labcorp
Classification: Likely benign for POLD1-related polyposis and colorectal cancer syndrome. Last evaluated: 2026-01-26. Review status: criteria provided, single submitter. Criteria: Invitae Variant Classification Sherloc (09022015). Collection method: clinical testing. Allele origin: germline.

GeneDx
Classification: Likely benign. Last evaluated: 2017-06-12. Review status: criteria provided, single submitter. Criteria: GeneDx Variant Classification (06012015). Collection method: clinical testing. Allele origin: germline. Affected: yes.
Comment: This variant is considered likely benign or benign based on one or more of the following criteria: it is a conservative change, it occurs at a poorly conserved position in the protein, it is predicted to be benign by multiple in silico algorithms, and/or has population frequency not consistent with disease.

NM_002691.4(POLD1):c.3120+10C>T

Gene: POLD1 (DNA polymerase delta 1, catalytic subunit; plus strand). Cytogenetic location: 19q13.33.
Variant type: single nucleotide variant.
Coding change: c.3120+10C>T on transcript NM_002691.4 (MANE Select); 10 bases into the intron after coding-DNA position 3120, C replaced by T.
Molecular consequence: intron variant.
Genome position (GRCh38, 1-based): chr19:50,417,107, C>T. VCF-style: chr19-50417107-C-T. GRCh37 (hg19) VCF-style: chr19-50920364-C-T.
Other names: c.3120+10C>T (NM_001256849.1, LRG_785t1); c.3198+10C>T (NM_001308632.1, LRG_785t2).
Identifiers: ClinVar variation 518026 (VCV000518026.9), dbSNP rs1555793604, ClinGen allele CA658799279.